The following is an entry in ClinVar:

ClinVar aggregate classification (germline): Uncertain significance. Review status: criteria provided, multiple submitters, no conflicts (2 of 4 stars). 2 submissions from 2 submitters: Uncertain significance (2). Last evaluated 2022-07-05.

Conditions:
Inborn genetic diseases. Identifiers: MedGen C0950123, MeSH D030342.

Allele frequency attached by ClinVar (database versions not stated): gnomAD exomes below 0.00001; ExAC 0.00001.
gnomAD v4.1: 1 of 1,613,842 alleles (0.000062%); highest among the groups gnomAD compares: South Asian, 0.0011%; no homozygotes.

Submissions (2):

Labcorp Genetics (formerly Invitae), Labcorp
Classification: Uncertain significance. Last evaluated: 2022-07-05. Review status: criteria provided, single submitter. Criteria: Invitae Variant Classification Sherloc (09022015). Collection method: clinical testing. Allele origin: germline.
Comment: Algorithms developed to predict the effect of missense changes on protein structure and function are either unavailable or do not agree on the potential impact of this missense change (SIFT: "Deleterious"; PolyPhen-2: "Benign"; Align-GVGD: "Class C0"). This variant has not been reported in the literature in individuals affected with SLC24A5-related conditions. In summary, the available evidence is currently insufficient to determine the role of this variant in disease. Therefore, it has been classified as a Variant of Uncertain Significance. This variant is present in population databases (rs766871727, gnomAD 0.003%). This sequence change replaces serine, which is neutral and polar, with cysteine, which is neutral and slightly polar, at codon 444 of the SLC24A5 protein (p.Ser444Cys).

Ambry Genetics
Classification: Uncertain significance for Inborn genetic diseases. Last evaluated: 2021-11-12. Review status: criteria provided, single submitter. Criteria: Ambry Variant Classification Scheme 2023. Collection method: clinical testing. Allele origin: germline.

NM_205850.3(SLC24A5):c.1331C>G (p.Ser444Cys)

Genes: MYEF2 (myelin expression factor 2; minus strand), SLC24A5 (solute carrier family 24 member 5; plus strand). Cytogenetic location: 15q21.1.
Variant type: single nucleotide variant.
Coding change: c.1331C>G on transcript NM_205850.3 (MANE Select); coding-DNA position 1331, C replaced by G.
Protein change: p.Ser444Cys; replaces serine 444 with cysteine.
Molecular consequence: missense variant. On other transcripts: 3 prime UTR variant (2).
Genome position (GRCh38, 1-based): chr15:48,142,179, C>G. VCF-style: chr15-48142179-C-G. GRCh37 (hg19) VCF-style: chr15-48434376-C-G.
Other names: c.*729G>C (NM_001301210.2, NM_016132.5); short protein forms S444C.
Identifiers: ClinVar variation 2102295 (VCV002102295.5), dbSNP rs766871727, ClinGen allele CA7546110.